The following is an entry in ClinVar:

NM_000051.4(ATM):c.6152T>A (p.Leu2051His)

Genes: ATM (ATM serine/threonine kinase; plus strand), C11orf65 (chromosome 11 open reading frame 65; minus strand). Cytogenetic location: 11q22.3.
Variant type: single nucleotide variant.
Coding change: c.6152T>A on transcript NM_000051.4 (MANE Select); coding-DNA position 6152, T replaced by A.
Protein change: p.Leu2051His; replaces leucine 2051 with histidine.
Molecular consequence: missense variant. On other transcripts: intron variant (2).
Genome position (GRCh38, 1-based): chr11:108,316,067, T>A. VCF-style: chr11-108316067-T-A. GRCh37 (hg19) VCF-style: chr11-108186794-T-A.
Other names: c.6152T>A, p.Leu2051His (NM_001351834.2); c.641-6996A>T (NM_001330368.2); c.*39-6996A>T (NM_001351110.2); short protein forms L2051H.
Identifiers: ClinVar variation 3707439 (VCV003707439.2).
Genomic context (GRCh38, chr11:108,316,067, plus strand): 5'-ATAGACTACGAACATATGAACACGAAGCAATGTGGGGCAAAGCCCTAGTAACATATGACC[T>A]CGAAACAGCAATCCCCTCATCAACACGCCAGGCAGGAATCATTCAGGTACATTTTTTCCC-3'
Protein context (NP_000042.3, residues 2041-2061): MWGKALVTYD[Leu2051His]ETAIPSSTRQ

ClinVar aggregate classification (germline): Uncertain significance (1 of 4 stars; one submission).

Conditions:
Ataxia-telangiectasia syndrome (AT). Also called: Ataxia-telangiectasia, complementation group D; AT, COMPLEMENTATION GROUP C; ATAXIA-TELANGIECTASIA, COMPLEMENTATION GROUP A; ATAXIA-TELANGIECTASIA, FRESNO VARIANT; Ataxia-telangiectasia; Ataxia-telangiectasia, complementation group E. Identifiers: Orphanet 100, MedGen C0004135, MONDO:0008840, OMIM 208900.

Submission:

Labcorp Genetics (formerly Invitae), Labcorp
Classification: Uncertain significance for Ataxia-telangiectasia syndrome. Last evaluated: 2024-12-11. Review status: criteria provided, single submitter. Criteria: Invitae Variant Classification Sherloc (09022015). Collection method: clinical testing. Allele origin: germline.
Comment: This sequence change replaces leucine, which is neutral and non-polar, with histidine, which is basic and polar, at codon 2051 of the ATM protein (p.Leu2051His). This variant is not present in population databases (gnomAD no frequency). This variant has not been reported in the literature in individuals affected with ATM-related conditions. Invitae Evidence Modeling of protein sequence and biophysical properties (such as structural, functional, and spatial information, amino acid conservation, physicochemical variation, residue mobility, and thermodynamic stability) has been performed for this missense variant. However, the output from this modeling did not meet the statistical confidence thresholds required to predict the impact of this variant on ATM protein function. In summary, the available evidence is currently insufficient to determine the role of this variant in disease. Therefore, it has been classified as a Variant of Uncertain Significance.